The following is an entry in ClinVar:

NM_014159.7(SETD2):c.1870T>A (p.Ser624Thr)

Gene: SETD2 (SET domain containing 2, histone lysine methyltransferase; minus strand). Cytogenetic location: 3p21.31.
Variant type: single nucleotide variant.
Coding change: c.1870T>A on transcript NM_014159.7 (MANE Select); coding-DNA position 1870, T replaced by A.
Protein change: p.Ser624Thr; replaces serine 624 with threonine.
Molecular consequence: missense variant. On other transcripts: non-coding transcript variant (1).
Genome position (GRCh38, 1-based): chr3:47,122,766, A>T on the plus strand (T>A on the coding strand, the complement: SETD2 is on the minus strand). VCF-style: chr3-47122766-A-T. GRCh37 (hg19) VCF-style: chr3-47164256-A-T.
Other names: c.1738T>A, p.Ser580Thr (NM_001349370.3); short protein forms S580T, S624T.
Identifiers: ClinVar variation 2814951 (VCV002814951.3), dbSNP rs1324611364, ClinGen allele CA352528508.

ClinVar aggregate classification (germline): Uncertain significance (1 of 4 stars; one submission).

Conditions:
Luscan-Lumish syndrome. Identifiers: Orphanet 597738, MedGen C4085873, MONDO:0014791, OMIM 616831.

Allele frequency attached by ClinVar (database versions not stated): gnomAD exomes below 0.00001.
gnomAD v4.1: 1 of 1,610,462 alleles (0.000062%); highest among the groups gnomAD compares: Admixed American, 0.0017%; no homozygotes.

Submission:

Labcorp Genetics (formerly Invitae), Labcorp
Classification: Uncertain significance for Luscan-Lumish syndrome. Last evaluated: 2023-12-20. Review status: criteria provided, single submitter. Criteria: Invitae Variant Classification Sherloc (09022015). Collection method: clinical testing. Allele origin: germline.
Comment: This sequence change replaces serine, which is neutral and polar, with threonine, which is neutral and polar, at codon 624 of the SETD2 protein (p.Ser624Thr). This variant is present in population databases (no rsID available, gnomAD 0.003%). This variant has not been reported in the literature in individuals affected with SETD2-related conditions. Advanced modeling of protein sequence and biophysical properties (such as structural, functional, and spatial information, amino acid conservation, physicochemical variation, residue mobility, and thermodynamic stability) performed at Invitae indicates that this missense variant is not expected to disrupt SETD2 protein function with a negative predictive value of 80%. In summary, the available evidence is currently insufficient to determine the role of this variant in disease. Therefore, it has been classified as a Variant of Uncertain Significance.